The following is an entry in ClinVar:

ClinVar aggregate classification (germline): Likely benign (0 of 4 stars; one submission).

Conditions:
MASP2-related disorder. Also called: MASP2-related condition.

Allele frequency attached by ClinVar (database versions not stated): TOPMed below 0.00001; gnomAD 0.00001; gnomAD exomes 0.00004; ExAC 0.00005.
gnomAD v4.1: 24 of 1,601,178 alleles (0.0015%); highest among the groups gnomAD compares: East Asian, 0.054%; no homozygotes.

Submission:

PreventionGenetics, part of Exact Sciences
Classification: Likely benign for MASP2-related condition. Last evaluated: 2020-07-29. Review status: no assertion criteria provided. Collection method: clinical testing. Allele origin: germline.
Comment: This variant is classified as likely benign based on ACMG/AMP sequence variant interpretation guidelines (Richards et al. 2015 PMID: 25741868, with internal and published modifications).

NM_006610.4(MASP2):c.1857T>G (p.Ala619=)

Genes: MASP2 (MBL associated serine protease 2; minus strand), TARDBP (TAR DNA binding protein; plus strand). Cytogenetic location: 1p36.22.
Variant type: single nucleotide variant.
Coding change: c.1857T>G on transcript NM_006610.4 (MANE Select); coding-DNA position 1857, T replaced by G.
Protein change: p.Ala619=; no amino-acid change (alanine 619 retained).
Molecular consequence: synonymous variant.
Genome position (GRCh38, 1-based): chr1:11,027,089, A>C on the plus strand (T>G on the coding strand, the complement: MASP2 is on the minus strand). VCF-style: chr1-11027089-A-C. GRCh37 (hg19) VCF-style: chr1-11087146-A-C.
Identifiers: ClinVar variation 3036600 (VCV003036600.2), dbSNP rs748118548, ClinGen allele CA586579.